The following is an entry in ClinVar:

NM_198525.3(KIF7):c.2555T>A (p.Leu852Gln)

Gene: KIF7 (kinesin family member 7; minus strand). Cytogenetic location: 15q26.1.
Variant type: single nucleotide variant.
Coding change: c.2555T>A on transcript NM_198525.3 (MANE Select); coding-DNA position 2555, T replaced by A.
Protein change: p.Leu852Gln; replaces leucine 852 with glutamine.
Molecular consequence: missense variant.
Genome position (GRCh38, 1-based): chr15:89,633,723, A>T on the plus strand (T>A on the coding strand, the complement: KIF7 is on the minus strand). VCF-style: chr15-89633723-A-T. GRCh37 (hg19) VCF-style: chr15-90176954-A-T.
Other names: short protein forms L852Q.
Identifiers: ClinVar variation 1465880 (VCV001465880.8), dbSNP rs2142002317, ClinGen allele CA393759606.

ClinVar aggregate classification (germline): Uncertain significance (1 of 4 stars; one submission).

Conditions:
Acrocallosal syndrome (ACLS). Also called: HALLUX DUPLICATION, POSTAXIAL POLYDACTYLY, AND ABSENCE OF CORPUS CALLOSUM; Schinzel syndrome 1; Absence of corpus callosum with unusual facial appearance, mental deficiency, duplication of the halluces and polydactyly. Identifiers: Orphanet 36, MedGen C0796147, MONDO:0008708, OMIM 200990.

Submission:

Labcorp Genetics (formerly Invitae), Labcorp
Classification: Uncertain significance for Acrocallosal syndrome. Last evaluated: 2022-06-27. Review status: criteria provided, single submitter. Criteria: Invitae Variant Classification Sherloc (09022015). Collection method: clinical testing. Allele origin: germline.
Comment: This sequence change replaces leucine, which is neutral and non-polar, with glutamine, which is neutral and polar, at codon 852 of the KIF7 protein (p.Leu852Gln). In summary, the available evidence is currently insufficient to determine the role of this variant in disease. Therefore, it has been classified as a Variant of Uncertain Significance. Algorithms developed to predict the effect of missense changes on protein structure and function (SIFT, PolyPhen-2, Align-GVGD) all suggest that this variant is likely to be disruptive. This variant has not been reported in the literature in individuals affected with KIF7-related conditions. This variant is not present in population databases (gnomAD no frequency).